The following is an entry in ClinVar:

ClinVar aggregate classification (germline): Uncertain significance (1 of 4 stars; one submission).

Conditions:
Hereditary cancer-predisposing syndrome. Also called: Neoplastic Syndromes, Hereditary; Tumor predisposition; Hereditary Cancer Syndrome; Hereditary neoplastic syndrome. Identifiers: Orphanet 140162, MedGen C0027672, MeSH D009386, MONDO:0015356.

Submission:

Ambry Genetics
Classification: Uncertain significance for Hereditary cancer-predisposing syndrome. Last evaluated: 2021-06-15. Review status: criteria provided, single submitter. Criteria: Ambry Variant Classification Scheme 2023. Collection method: clinical testing. Allele origin: germline.
Comment: The p.P2669A variant (also known as c.8005C>G), located in coding exon 15 of the APC gene, results from a C to G substitution at nucleotide position 8005. The proline at codon 2669 is replaced by alanine, an amino acid with highly similar properties. This amino acid position is highly conserved in available vertebrate species. In addition, in silico predictors for this gene do not accurately predict pathogenicity. Since supporting evidence is limited at this time, the clinical significance of this alteration remains unclear.

NM_000038.6(APC):c.8005C>G (p.Pro2669Ala)

Gene: APC (APC regulator of Wnt signaling pathway; plus strand). Cytogenetic location: 5q22.2.
Variant type: single nucleotide variant.
Coding change: c.8005C>G on transcript NM_000038.6 (MANE Select); coding-DNA position 8005, C replaced by G.
Protein change: p.Pro2669Ala; replaces proline 2669 with alanine.
Molecular consequence: missense variant.
Genome position (GRCh38, 1-based): chr5:112,843,599, C>G. VCF-style: chr5-112843599-C-G. GRCh37 (hg19) VCF-style: chr5-112179296-C-G.
Other names: c.8005C>G, p.Pro2669Ala (NM_001127510.3, NM_001354895.2, NM_001407450.1); c.7951C>G, p.Pro2651Ala (NM_001127511.3); c.8059C>G, p.Pro2687Ala (NM_001354896.2, NM_001407447.1, NM_001407448.1 and 1 more transcripts); c.8035C>G, p.Pro2679Ala (NM_001354897.2); c.7930C>G, p.Pro2644Ala (NM_001354898.2); c.7921C>G, p.Pro2641Ala (NM_001354899.2); c.7882C>G, p.Pro2628Ala (NM_001354900.2); c.7828C>G, p.Pro2610Ala (NM_001354901.2, NM_001407453.1); and 11 more; short protein forms P2285A, P2509A, P2386A, P2543A, P2578A, P2586A, P2644A, P2687A.
Identifiers: ClinVar variation 1761618 (VCV001761618.2), dbSNP rs1580689042, ClinGen allele CA16038722.